The following is an entry in ClinVar:

NM_003265.3(TLR3):c.1987G>C (p.Glu663Gln)

Gene: TLR3 (toll like receptor 3; plus strand). Cytogenetic location: 4q35.1.
Variant type: single nucleotide variant.
Coding change: c.1987G>C on transcript NM_003265.3 (MANE Select); coding-DNA position 1987, G replaced by C.
Protein change: p.Glu663Gln; replaces glutamic acid 663 with glutamine.
Molecular consequence: missense variant.
Genome position (GRCh38, 1-based): chr4:186,083,673, G>C. VCF-style: chr4-186083673-G-C. GRCh37 (hg19) VCF-style: chr4-187004827-G-C.
Other names: short protein forms E663Q.
Identifiers: ClinVar variation 1718556 (VCV001718556.6), dbSNP rs1005040113, ClinGen allele CA358934692.

ClinVar aggregate classification (germline): Uncertain significance (1 of 4 stars; one submission).

Conditions:
Encephalopathy, acute, infection-induced (herpes-specific), susceptibility to, 1. Also called: Herpes simplex encephalitis, susceptibility to, 1. Identifiers: Orphanet 1930, MedGen C2750180, MONDO:0024563, OMIM 610551.

Submission:

Labcorp Genetics (formerly Invitae), Labcorp
Classification: Uncertain significance for Encephalopathy, acute, infection-induced (herpes-specific), susceptibility to, 1. Last evaluated: 2025-06-12. Review status: criteria provided, single submitter. Criteria: Invitae Variant Classification Sherloc (09022015). Collection method: clinical testing. Allele origin: germline.
Comment: This sequence change replaces glutamic acid, which is acidic and polar, with glutamine, which is neutral and polar, at codon 663 of the TLR3 protein (p.Glu663Gln). This variant is not present in population databases (gnomAD no frequency). This variant has not been reported in the literature in individuals affected with TLR3-related conditions. ClinVar contains an entry for this variant (Variation ID: 1718556). An algorithm developed to predict the effect of missense changes on protein structure and function outputs the following: PolyPhen-2: "Benign". The glutamine amino acid residue is found in multiple mammalian species, which suggests that this missense change does not adversely affect protein function. In summary, the available evidence is currently insufficient to determine the role of this variant in disease. Therefore, it has been classified as a Variant of Uncertain Significance.